The following is an entry in ClinVar:

ClinVar aggregate classification (germline): Likely benign. Review status: criteria provided, multiple submitters, no conflicts (2 of 4 stars). 2 submissions from 2 submitters: Likely benign (2). Last evaluated 2025-08-13.

Conditions:
LAMB1-related disorder. Also called: LAMB1-related condition.

Allele frequency attached by ClinVar (database versions not stated): gnomAD exomes 0.00010; ExAC 0.00024; gnomAD 0.00080 and 0.00086; ESP Exome Variant Server 0.00092; 1000 Genomes Project 30x 0.00094; TOPMed 0.00096; 1000 Genomes Project 0.00100.
gnomAD v4.1: 269 of 1,614,020 alleles (0.017%); highest among the groups gnomAD compares: African/African-American, 0.28%; 1 homozygote.

Submissions (2):

PreventionGenetics, part of Exact Sciences
Classification: Likely benign for LAMB1-related condition. Last evaluated: 2025-08-13. Review status: criteria provided, single submitter. Criteria: ACMG Guidelines, 2015. Collection method: clinical testing. Allele origin: germline.
Comment: This variant is classified as likely benign based on ACMG/AMP sequence variant interpretation guidelines (Richards et al. 2015 PMID: 25741868, with internal and published modifications).

Labcorp Genetics (formerly Invitae), Labcorp
Classification: Likely benign. Last evaluated: 2024-12-17. Review status: criteria provided, single submitter. Criteria: Invitae Variant Classification Sherloc (09022015). Collection method: clinical testing. Allele origin: germline.

NM_002291.3(LAMB1):c.1571C>T (p.Ala524Val)

Gene: LAMB1 (laminin subunit beta 1; minus strand). Cytogenetic location: 7q31.1.
Variant type: single nucleotide variant.
Coding change: c.1571C>T on transcript NM_002291.3 (MANE Select); coding-DNA position 1571, C replaced by T.
Protein change: p.Ala524Val; replaces alanine 524 with valine.
Molecular consequence: missense variant.
Genome position (GRCh38, 1-based): chr7:107,964,679, G>A on the plus strand (C>T on the coding strand, the complement: LAMB1 is on the minus strand). VCF-style: chr7-107964679-G-A. GRCh37 (hg19) VCF-style: chr7-107605124-G-A.
Other names: short protein forms A524V.
Identifiers: ClinVar variation 731101 (VCV000731101.10), dbSNP rs139348334, ClinGen allele CA4435965.